The following is an entry in ClinVar:

NM_007294.4(BRCA1):c.160del (p.Gln54fs)

Gene: BRCA1 (BRCA1 DNA repair associated; minus strand). Cytogenetic location: 17q21.31.
Variant type: Deletion.
Coding change: c.160del on transcript NM_007294.4 (MANE Select); coding-DNA position 160, one base deleted (C; older notation c.160delC).
Protein change: p.Gln54fs; shifts the reading frame from glutamine 54.
Molecular consequence: frameshift variant. On other transcripts: non-coding transcript variant (1).
Genome position (GRCh38, 1-based): chr17:43,106,508, G deleted on the plus strand (C on the coding strand, the reverse complement: BRCA1 is on the minus strand); the first of 2 consecutive G bases (chr17:43,106,508-43,106,509); deleting either gives the same sequence. VCF-style (leftmost placement, unchanged base first): chr17-43106507-TG-T. GRCh37 (hg19) VCF-style: chr17-41258524-TG-T.
Other names: c.160delC (NM_007294.3); c.-30delC (NM_001407571.1, NM_001407853.1, NM_001407879.1 and 58 more transcripts); c.159delC, p.Gln54Argfs (NM_001407581.1, NM_001407582.1, NM_001407583.1 and 166 more transcripts); c.18delC, p.Gln7Argfs (NM_001407692.1, NM_001407694.1, NM_001407695.1 and 98 more transcripts); c.19del, p.Gln7fs (NM_007297.4); c.160del, p.Gln54fs (NM_007299.4, NM_007300.4); short protein forms Q7fs, Q54fs.
Identifiers: ClinVar variation 54308 (VCV000054308.3), dbSNP rs397508890, ClinGen allele CA001071.

ClinVar aggregate classification (germline): Pathogenic. Review status: reviewed by expert panel (3 of 4 stars). 2 submissions from 2 submitters: Pathogenic (1). 1 of the submissions does not count toward it. Last evaluated 2017-12-15.

Conditions:
Breast-ovarian cancer, familial, susceptibility to, 1 (BROVCA1). Also called: OVARIAN CANCER, SUSCEPTIBILITY TO; BRCA1 Hereditary Breast and Ovarian Cancer. Identifiers: Orphanet 145, MedGen C2676676, MONDO:0011450, OMIM 604370. Disease mechanism: loss of function.
Familial cancer of breast. Also called: Hereditary breast cancer; hereditary breast carcinoma; BREAST CANCER, FAMILIAL. Identifiers: Orphanet 227535, MedGen C0346153, MONDO:0016419, OMIM 114480. Disease mechanism: loss of function.

Submissions (2):

Evidence-based Network for the Interpretation of Germline Mutant Alleles (ENIGMA)
Classification: Pathogenic for Breast-ovarian cancer, familial, susceptibility to, 1. Last evaluated: 2017-12-15. Review status: reviewed by expert panel. Criteria: ENIGMA BRCA1/2 Classification Criteria (2017-06-29). Collection method: curation. Allele origin: germline. Study: ENIGMA.
Comment: Variant allele predicted to encode a truncated non-functional protein.

ClinVar Staff, National Center for Biotechnology Information (NCBI)
No classification provided. Condition: Familial cancer of breast. Review status: no classification provided. Collection method: literature only. Allele origin: germline. Affected: yes. Not counted in ClinVar's aggregate classification.

Literature cited by the submitters: PubMed 12960223 (cited by ClinVar Staff, National Center for Biotechnology Information (NCBI)).